The following is an entry in ClinVar:

NM_005591.4(MRE11):c.820C>T (p.Leu274Phe)

Gene: MRE11 (MRE11 double strand break repair nuclease; minus strand). Cytogenetic location: 11q21.
Variant type: single nucleotide variant.
Coding change: c.820C>T on transcript NM_005591.4 (MANE Select); coding-DNA position 820, C replaced by T.
Protein change: p.Leu274Phe; replaces leucine 274 with phenylalanine.
Molecular consequence: missense variant.
Genome position (GRCh38, 1-based): chr11:94,471,599, G>A on the plus strand (C>T on the coding strand, the complement: MRE11 is on the minus strand). VCF-style: chr11-94471599-G-A. GRCh37 (hg19) VCF-style: chr11-94204765-G-A.
Other names: c.820C>T, p.Leu274Phe (NM_001330347.2, NM_005590.4); short protein forms L274F.
Identifiers: ClinVar variation 481775 (VCV000481775.5), dbSNP rs1555013057, ClinGen allele CA382375518.

ClinVar aggregate classification (germline): Uncertain significance (1 of 4 stars; one submission).

Conditions:
Hereditary cancer-predisposing syndrome. Also called: Neoplastic Syndromes, Hereditary; Tumor predisposition; Hereditary Cancer Syndrome; Hereditary neoplastic syndrome. Identifiers: Orphanet 140162, MedGen C0027672, MeSH D009386, MONDO:0015356.

Submission:

Ambry Genetics
Classification: Uncertain significance for Hereditary cancer-predisposing syndrome. Last evaluated: 2023-11-16. Review status: criteria provided, single submitter. Criteria: Ambry Variant Classification Scheme 2023. Collection method: clinical testing. Allele origin: germline.
Comment: The p.L274F variant (also known as c.820C>T), located in coding exon 7 of the MRE11A gene, results from a C to T substitution at nucleotide position 820. The leucine at codon 274 is replaced by phenylalanine, an amino acid with highly similar properties. This amino acid position is highly conserved in available vertebrate species. In addition, this alteration is predicted to be deleterious by in silico analysis. Since supporting evidence is limited at this time, the clinical significance of this alteration remains unclear.